The following is an entry in ClinVar:

ClinVar aggregate classification (germline): Uncertain significance (1 of 4 stars; one submission).

Submission:

Labcorp Genetics (formerly Invitae), Labcorp
Classification: Uncertain significance. Last evaluated: 2022-01-16. Review status: criteria provided, single submitter. Criteria: Invitae Variant Classification Sherloc (09022015). Collection method: clinical testing. Allele origin: germline.
Comment: In summary, the available evidence is currently insufficient to determine the role of this variant in disease. Therefore, it has been classified as a Variant of Uncertain Significance. Algorithms developed to predict the effect of missense changes on protein structure and function are either unavailable or do not agree on the potential impact of this missense change (SIFT: "Deleterious"; PolyPhen-2: "Probably Damaging"; Align-GVGD: "Class C0"). This variant has not been reported in the literature in individuals affected with SIX5-related conditions. This variant is not present in population databases (gnomAD no frequency). This sequence change replaces proline, which is neutral and non-polar, with alanine, which is neutral and non-polar, at codon 430 of the SIX5 protein (p.Pro430Ala).

NM_175875.5(SIX5):c.1288C>G (p.Pro430Ala)

Gene: SIX5 (SIX homeobox 5; minus strand). Cytogenetic location: 19q13.32.
Variant type: single nucleotide variant.
Coding change: c.1288C>G on transcript NM_175875.5 (MANE Select); coding-DNA position 1288, C replaced by G.
Protein change: p.Pro430Ala; replaces proline 430 with alanine.
Molecular consequence: missense variant.
Genome position (GRCh38, 1-based): chr19:45,766,671, G>C on the plus strand (C>G on the coding strand, the complement: SIX5 is on the minus strand). VCF-style: chr19-45766671-G-C. GRCh37 (hg19) VCF-style: chr19-46269929-G-C.
Other names: short protein forms P430A.
Identifiers: ClinVar variation 1951557 (VCV001951557.5), dbSNP rs779884174, ClinGen allele CA406418649.